The following is an entry in ClinVar:

ClinVar aggregate classification (germline): Uncertain significance (1 of 4 stars; one submission).

gnomAD v4.1: 1 of 1,201,291 alleles (0.000083%); highest among the groups gnomAD compares: Non-Finnish European, 0.00011%; no homozygotes.

Submission:

Labcorp Genetics (formerly Invitae), Labcorp
Classification: Uncertain significance. Last evaluated: 2024-07-31. Review status: criteria provided, single submitter. Criteria: Invitae Variant Classification Sherloc (09022015). Collection method: clinical testing. Allele origin: germline.
Comment: This sequence change replaces methionine, which is neutral and non-polar, with leucine, which is neutral and non-polar, at codon 60 of the SH3KBP1 protein (p.Met60Leu). This variant is not present in population databases (gnomAD no frequency). This variant has not been reported in the literature in individuals affected with SH3KBP1-related conditions. Advanced modeling of protein sequence and biophysical properties (such as structural, functional, and spatial information, amino acid conservation, physicochemical variation, residue mobility, and thermodynamic stability) performed at Invitae indicates that this missense variant is not expected to disrupt SH3KBP1 protein function with a negative predictive value of 80%. In summary, the available evidence is currently insufficient to determine the role of this variant in disease. Therefore, it has been classified as a Variant of Uncertain Significance.

NM_031892.3(SH3KBP1):c.178A>T (p.Met60Leu)

Gene: SH3KBP1 (SH3 domain containing kinase binding protein 1; minus strand). Cytogenetic location: Xp22.12.
Variant type: single nucleotide variant.
Coding change: c.178A>T on transcript NM_031892.3 (MANE Select); coding-DNA position 178, A replaced by T.
Protein change: p.Met60Leu; replaces methionine 60 with leucine.
Molecular consequence: missense variant. On other transcripts: initiator codon variant (4).
Genome position (GRCh38, 1-based): chrX:19,746,426, T>A on the plus strand (A>T on the coding strand, the complement: SH3KBP1 is on the minus strand). VCF-style: chrX-19746426-T-A. GRCh37 (hg19) VCF-style: chrX-19764544-T-A.
Other names: c.67A>T, p.Met23Leu (NM_001024666.3); c.178A>T, p.Met60Leu (NM_001353890.2, NM_001353891.2, NM_001353892.2 and 2 more transcripts); c.1A>T, p.Met1Leu (NM_001353893.2, NM_001353894.2, NM_001353895.2 and 1 more transcripts); short protein forms M60L, M23L, M1L.
Identifiers: ClinVar variation 3685136 (VCV003685136.2).